The following is an entry in ClinVar:

ClinVar aggregate classification (germline): Uncertain significance. Review status: criteria provided, multiple submitters, no conflicts (2 of 4 stars). 2 submissions from 2 submitters: Uncertain significance (2). Last evaluated 2025-10-08.

Conditions:
Malignant hyperthermia, susceptibility to, 1 (MHS1). Also called: Anesthesia related hyperthermia; Malignant hyperpyrexia; Fulminating hyperpyrexia; Pharmacogenic myopathy; Malignant hyperthermia suceptibility 1; RYR1-Related Malignant Hyperthermia Susceptibility. Identifiers: Orphanet 423, MedGen C2930980, MONDO:0007783, OMIM 145600.
RYR1-related disorder. Also called: RYR1-related condition; RYR1-related disorders. Identifiers: MedGen CN239331.

gnomAD v4.1: 1 of 1,614,070 alleles (0.000062%); highest among the groups gnomAD compares: Admixed American, 0.0017%; no homozygotes.

Submissions (2):

Labcorp Genetics (formerly Invitae), Labcorp
Classification: Uncertain significance for RYR1-related disorder. Last evaluated: 2025-10-08. Review status: criteria provided, single submitter. Criteria: Invitae Variant Classification Sherloc (09022015). Collection method: clinical testing. Allele origin: germline.
Comment: This sequence change replaces glycine, which is neutral and non-polar, with alanine, which is neutral and non-polar, at codon 3254 of the RYR1 protein (p.Gly3254Ala). This variant is present in population databases (no rsID available, gnomAD 0.003%). This variant has not been reported in the literature in individuals affected with RYR1-related conditions. ClinVar contains an entry for this variant (Variation ID: 3614390). Invitae Evidence Modeling of protein sequence and biophysical properties (such as structural, functional, and spatial information, amino acid conservation, physicochemical variation, residue mobility, and thermodynamic stability) indicates that this missense variant is not expected to disrupt RYR1 protein function with a negative predictive value of 80%. In summary, the available evidence is currently insufficient to determine the role of this variant in disease. Therefore, it has been classified as a Variant of Uncertain Significance.

Color Diagnostics, LLC DBA Color Health
Classification: Uncertain significance for Malignant hyperthermia, susceptibility to, 1. Last evaluated: 2024-04-03. Review status: criteria provided, single submitter. Criteria: ACMG Guidelines, 2015. Collection method: clinical testing. Allele origin: germline.
Comment: This missense variant replaces glycine with alanine at codon 3254 of the RYR1 protein. Computational prediction suggests that this variant may not impact protein structure and function. To our knowledge, functional studies have not been reported for this variant. This variant has not been reported in individuals affected with RYR1-related disorders in the literature. This variant has been identified in 1/249748 chromosomes in the general population by the Genome Aggregation Database (gnomAD). The available evidence is insufficient to determine the role of this variant in disease conclusively. Therefore, this variant is classified as a Variant of Uncertain Significance.

NM_000540.3(RYR1):c.9761G>C (p.Gly3254Ala)

Gene: RYR1 (ryanodine receptor 1; plus strand). Cytogenetic location: 19q13.2.
Variant type: single nucleotide variant.
Coding change: c.9761G>C on transcript NM_000540.3 (MANE Select); coding-DNA position 9761, G replaced by C.
Protein change: p.Gly3254Ala; replaces glycine 3254 with alanine.
Molecular consequence: missense variant.
Genome position (GRCh38, 1-based): chr19:38,517,434, G>C. VCF-style: chr19-38517434-G-C. GRCh37 (hg19) VCF-style: chr19-39008074-G-C.
Other names: c.9761G>C, p.Gly3254Ala (NM_001042723.2); short protein forms G3254A.
Identifiers: ClinVar variation 3614390 (VCV003614390.3).